The following is an entry in ClinVar:

ClinVar aggregate classification (germline): Uncertain significance. Review status: criteria provided, multiple submitters, no conflicts (2 of 4 stars). 2 submissions from 2 submitters: Uncertain significance (2). Last evaluated 2025-10-18.

Allele frequency attached by ClinVar (database versions not stated): ExAC 0.00001; gnomAD exomes 0.00002; gnomAD 0.00003; TOPMed 0.00003.

Submissions (2):

Labcorp Genetics (formerly Invitae), Labcorp
Classification: Uncertain significance. Last evaluated: 2025-10-18. Review status: criteria provided, single submitter. Criteria: Invitae Variant Classification Sherloc (09022015). Collection method: clinical testing. Allele origin: germline.
Comment: This sequence change replaces arginine, which is basic and polar, with glutamine, which is neutral and polar, at codon 97 of the A2ML1 protein (p.Arg97Gln). This variant is present in population databases (rs763443454, gnomAD 0.004%). This variant has not been reported in the literature in individuals affected with A2ML1-related conditions. ClinVar contains an entry for this variant (Variation ID: 1797566). An algorithm developed to predict the effect of missense changes on protein structure and function outputs the following: PolyPhen-2: "Benign". The glutamine amino acid residue is found in multiple mammalian species, which suggests that this missense change does not adversely affect protein function. In summary, the available evidence is currently insufficient to determine the role of this variant in disease. Therefore, it has been classified as a Variant of Uncertain Significance.

Ambry Genetics
Classification: Uncertain significance. Last evaluated: 2025-05-06. Review status: criteria provided, single submitter. Criteria: Ambry Variant Classification Scheme 2023. Collection method: clinical testing. Allele origin: germline.
Comment: The p.R97Q variant (also known as c.290G>A), located in coding exon 3 of the A2ML1 gene, results from a G to A substitution at nucleotide position 290. The arginine at codon 97 is replaced by glutamine, an amino acid with highly similar properties. This amino acid position is conserved. In addition, this alteration is predicted to be tolerated by in silico analysis. Since supporting evidence is limited at this time, the clinical significance of this alteration remains unclear.

NM_144670.6(A2ML1):c.290G>A (p.Arg97Gln)

Genes: A2ML1 (alpha-2-macroglobulin like 1; plus strand), A2ML1-AS1 (A2ML1 antisense RNA 1; minus strand). Cytogenetic location: 12p13.31.
Variant type: single nucleotide variant.
Coding change: c.290G>A on transcript NM_144670.6 (MANE Select); coding-DNA position 290, G replaced by A.
Protein change: p.Arg97Gln; replaces arginine 97 with glutamine.
Molecular consequence: missense variant.
Genome position (GRCh38, 1-based): chr12:8,823,763, G>A. VCF-style: chr12-8823763-G-A. GRCh37 (hg19) VCF-style: chr12-8976359-G-A.
Other names: short protein forms R97Q.
Identifiers: ClinVar variation 1797566 (VCV001797566.8), dbSNP rs763443454, ClinGen allele CA6435229.